The following is an entry in ClinVar:

NM_001387430.1(SH2B1):c.2082C>T (p.Pro694=)

Gene: SH2B1 (SH2B adaptor protein 1; plus strand). Cytogenetic location: 16p11.2.
Variant type: single nucleotide variant.
Coding change: c.2082C>T on transcript NM_001387430.1 (MANE Select); coding-DNA position 2082, C replaced by T.
Protein change: p.Pro694=; no amino-acid change (proline 694 retained).
Molecular consequence: synonymous variant. On other transcripts: 3 prime UTR variant (5).
Genome position (GRCh38, 1-based): chr16:28,873,631, C>T. VCF-style: chr16-28873631-C-T. GRCh37 (hg19) VCF-style: chr16-28884952-C-T.
Other names: c.2082C>T, p.Pro694= (NM_001145795.2, NM_001308293.2, NM_001387404.1); c.*166C>T (NM_001145796.2, NM_001145812.2, NM_001308294.2 and 1 more transcripts); c.*183C>T (NM_001145797.2).
Identifiers: ClinVar variation 3356699 (VCV003356699.1).
Genomic context (GRCh38, chr16:28,873,631, plus strand): 5'-CAAAGAGAGGCAAGAGAAAGAGAAAGCGGGCGGTGGAGGGGTCCCGGAAGAGCTGGTCCC[C>T]GTGGTTGAGCTGGTCCCCGTGGTTGAATTGGAAGAGGCCATAGCCCCAGGCTCAGAGGCC-3'
Protein context (NP_001374359.1, residues 684-704): GGGGVPEELV[Pro694=]VVELVPVVEL

ClinVar aggregate classification (germline): Likely benign (0 of 4 stars; one submission).

Conditions:
SH2B1-related disorder. Also called: SH2B1-related condition.

gnomAD v4.1: 21 of 1,538,304 alleles (0.0014%); highest among the groups gnomAD compares: African/African-American, 0.0028%; no homozygotes.

Submission:

PreventionGenetics, part of Exact Sciences
Classification: Likely benign for SH2B1-related condition. Last evaluated: 2023-03-08. Review status: no assertion criteria provided. Collection method: clinical testing. Allele origin: germline.
Comment: This variant is classified as likely benign based on ACMG/AMP sequence variant interpretation guidelines (Richards et al. 2015 PMID: 25741868, with internal and published modifications).